The following is an entry in ClinVar:

NM_001388492.1(HTT):c.7594C>T (p.Arg2532Trp)

Gene: HTT (huntingtin; plus strand). Cytogenetic location: 4p16.3.
Variant type: single nucleotide variant.
Coding change: c.7594C>T on transcript NM_001388492.1 (MANE Select); coding-DNA position 7594, C replaced by T.
Protein change: p.Arg2532Trp; replaces arginine 2532 with tryptophan.
Molecular consequence: missense variant.
Genome position (GRCh38, 1-based): chr4:3,223,529, C>T. VCF-style: chr4-3223529-C-T. GRCh37 (hg19) VCF-style: chr4-3225256-C-T.
Other names: c.7600C>T, p.Arg2534Trp (NM_002111.8); short protein forms R2532W, R2534W.
Identifiers: ClinVar variation 4681746 (VCV004681746.5).

ClinVar aggregate classification (germline): Uncertain significance (1 of 4 stars; one submission).

gnomAD v4.1: 8 of 1,612,546 alleles (0.0005%); highest among the groups gnomAD compares: Admixed American, 0.0017%; no homozygotes.

Submission:

CeGaT Center for Human Genetics Tuebingen
Classification: Uncertain significance. Last evaluated: 2025-12-01. Review status: criteria provided, single submitter. Criteria: CeGaT Center For Human Genetics Tuebingen Variant Classification Criteria Version 2. Collection method: clinical testing. Allele origin: germline. Affected: yes. Observed: 1 variant allele.
Comment: HTT: PM2